The following is an entry in ClinVar:

NM_032228.6(FAR1):c.239T>C (p.Ile80Thr)

Gene: FAR1 (fatty acyl-CoA reductase 1; plus strand). Cytogenetic location: 11p15.3.
Variant type: single nucleotide variant.
Coding change: c.239T>C on transcript NM_032228.6 (MANE Select); coding-DNA position 239, T replaced by C.
Protein change: p.Ile80Thr; replaces isoleucine 80 with threonine.
Molecular consequence: missense variant.
Genome position (GRCh38, 1-based): chr11:13,700,366, T>C. VCF-style: chr11-13700366-T-C. GRCh37 (hg19) VCF-style: chr11-13721913-T-C.
Other names: short protein forms I80T.
Identifiers: ClinVar variation 2164890 (VCV002164890.4), dbSNP rs1191653147, ClinGen allele CA379856429.

ClinVar aggregate classification (germline): Uncertain significance (1 of 4 stars; one submission).

Allele frequency attached by ClinVar (database versions not stated): gnomAD 0.00001; TOPMed 0.00001.
gnomAD v4.1: 32 of 1,598,678 alleles (0.002%); highest among the groups gnomAD compares: Admixed American, 0.0035%; no homozygotes.

Submission:

Labcorp Genetics (formerly Invitae), Labcorp
Classification: Uncertain significance. Last evaluated: 2025-11-11. Review status: criteria provided, single submitter. Criteria: Invitae Variant Classification Sherloc (09022015). Collection method: clinical testing. Allele origin: germline.
Comment: This sequence change replaces isoleucine, which is neutral and non-polar, with threonine, which is neutral and polar, at codon 80 of the FAR1 protein (p.Ile80Thr). The frequency data for this variant in the population databases is considered unreliable, as metrics indicate poor data quality at this position in the gnomAD database. This variant has not been reported in the literature in individuals affected with FAR1-related conditions. ClinVar contains an entry for this variant (Variation ID: 2164890). Invitae Evidence Modeling of protein sequence and biophysical properties (such as structural, functional, and spatial information, amino acid conservation, physicochemical variation, residue mobility, and thermodynamic stability) indicates that this missense variant is not expected to disrupt FAR1 protein function with a negative predictive value of 80%. In summary, the available evidence is currently insufficient to determine the role of this variant in disease. Therefore, it has been classified as a Variant of Uncertain Significance.